The following is an entry in ClinVar:

ClinVar aggregate classification (germline): Uncertain significance. Review status: criteria provided, multiple submitters, no conflicts (2 of 4 stars). 8 submissions from 4 submitters: Uncertain significance (8). Last evaluated 2026-09-30.

Conditions:
Dystonia 9 (DYT9). Also called: CHOREOATHETOSIS, KINESIGENIC, WITH EPISODIC ATAXIA AND SPASTICITY. Identifiers: Orphanet 53583, MedGen C1832855, MONDO:0010983, OMIM 601042.
Epilepsy, idiopathic generalized, susceptibility to, 12 (EIG12). Identifiers: MedGen C3553859, MONDO:0013919, OMIM 614847.
GLUT1 deficiency syndrome 1, autosomal recessive. Identifiers: MedGen C3149117.
Childhood onset GLUT1 deficiency syndrome 2. Also called: PAROXYSMAL EXERCISE-INDUCED DYSKINESIA WITH OR WITHOUT EPILEPSY AND/OR HEMOLYTIC ANEMIA; PAROXYSMAL EXERTION-INDUCED DYSTONIA WITH OR WITHOUT EPILEPSY AND/OR HEMOLYTIC ANEMIA; PED WITH OR WITHOUT EPILEPSY AND/OR HEMOLYTIC ANEMIA; Paroxysmal exercise-induced dystonia; GLUT1 deficiency syndrome 2; PxMD-SLC2A1. Identifiers: Orphanet 98811, MedGen C1842534, MONDO:0012805, OMIM 612126.
Hereditary cryohydrocytosis with reduced stomatin. Also called: GLUT1 DEFICIENCY SYNDROME WITH PSEUDOHYPERKALEMIA AND HEMOLYSIS; Stomatin-deficient cryohydrocytosis with neurologic defects. Identifiers: Orphanet 168577, MedGen C1837206, MONDO:0012143, OMIM 608885.
Encephalopathy due to GLUT1 deficiency. Also called: De Vivo disease; GLUT1 deficiency syndrome 1; Glucose transporter protein syndrome; GLUT1 deficiency syndrome 1, infantile onset, severe; GLUCOSE TRANSPORT DEFECT, BLOOD-BRAIN BARRIER; Classic Glucose Transporter Type 1 Deficiency Syndrome. Identifiers: Orphanet 71277, MedGen C4551966, MONDO:0011724, OMIM 606777.

Allele frequency attached by ClinVar (database versions not stated): gnomAD exomes below 0.00001 and 0.00001; ExAC 0.00001; gnomAD 0.00001.

Submissions (8):

GeneDx
Classification: Uncertain significance. Last evaluated: 2026-09-30. Review status: criteria provided, single submitter. Criteria: GeneDx Variant Classification Process June 2021. Collection method: clinical testing. Allele origin: germline.
Comment: Not observed at significant frequency in large population cohorts (gnomAD); In silico analysis suggests that this missense variant does not alter protein structure/function; Has not been previously published as pathogenic or benign to our knowledge

Labcorp Genetics (formerly Invitae), Labcorp
Classification: Uncertain significance for GLUT1 deficiency syndrome 1, autosomal recessive. Last evaluated: 2025-09-14. Review status: criteria provided, single submitter. Criteria: Invitae Variant Classification Sherloc (09022015). Collection method: clinical testing. Allele origin: germline.
Comment: This sequence change replaces alanine, which is neutral and non-polar, with threonine, which is neutral and polar, at codon 354 of the SLC2A1 protein (p.Ala354Thr). The frequency data for this variant in the population databases is considered unreliable, as metrics indicate poor data quality at this position in the gnomAD database. This variant has not been reported in the literature in individuals affected with SLC2A1-related conditions. ClinVar contains an entry for this variant (Variation ID: 441137). Invitae Evidence Modeling incorporating data from in vitro experimental studies (internal data) indicates that this missense variant is not expected to disrupt SLC2A1 function with a negative predictive value of 80%. In summary, the available evidence is currently insufficient to determine the role of this variant in disease. Therefore, it has been classified as a Variant of Uncertain Significance.

CeGaT Center for Human Genetics Tuebingen
Classification: Uncertain significance. Last evaluated: 2024-12-01. Review status: criteria provided, single submitter. Criteria: CeGaT Center For Human Genetics Tuebingen Variant Classification Criteria Version 2. Collection method: clinical testing. Allele origin: germline. Affected: yes. Observed: 1 variant allele.
Comment: SLC2A1: PM2

Genome-Nilou Lab
Classification: Uncertain significance for Epilepsy, idiopathic generalized, susceptibility to, 12. Last evaluated: 2023-04-11. Review status: criteria provided, single submitter. Criteria: ACMG Guidelines, 2015. Collection method: clinical testing. Allele origin: germline. Affected: no.

Genome-Nilou Lab
Classification: Uncertain significance for Dystonia 9. Last evaluated: 2023-04-11. Review status: criteria provided, single submitter. Criteria: ACMG Guidelines, 2015. Collection method: clinical testing. Allele origin: germline. Affected: no.

Genome-Nilou Lab
Classification: Uncertain significance for Encephalopathy due to GLUT1 deficiency. Last evaluated: 2023-04-11. Review status: criteria provided, single submitter. Criteria: ACMG Guidelines, 2015. Collection method: clinical testing. Allele origin: germline. Affected: no.

Genome-Nilou Lab
Classification: Uncertain significance for Childhood onset GLUT1 deficiency syndrome 2. Last evaluated: 2023-04-11. Review status: criteria provided, single submitter. Criteria: ACMG Guidelines, 2015. Collection method: clinical testing. Allele origin: germline. Affected: no.

Genome-Nilou Lab
Classification: Uncertain significance for Hereditary cryohydrocytosis with reduced stomatin. Last evaluated: 2023-04-11. Review status: criteria provided, single submitter. Criteria: ACMG Guidelines, 2015. Collection method: clinical testing. Allele origin: germline. Affected: no.

NM_006516.4(SLC2A1):c.1060G>A (p.Ala354Thr)

Gene: SLC2A1 (solute carrier family 2 member 1; minus strand). Cytogenetic location: 1p34.2.
Variant type: single nucleotide variant.
Coding change: c.1060G>A on transcript NM_006516.4 (MANE Select); coding-DNA position 1060, G replaced by A.
Protein change: p.Ala354Thr; replaces alanine 354 with threonine.
Molecular consequence: missense variant.
Genome position (GRCh38, 1-based): chr1:42,928,946, C>T on the plus strand (G>A on the coding strand, the complement: SLC2A1 is on the minus strand). VCF-style: chr1-42928946-C-T. GRCh37 (hg19) VCF-style: chr1-43394617-C-T.
Other names: short protein forms A354T.
Identifiers: ClinVar variation 441137 (VCV000441137.30), dbSNP rs780529723, ClinGen allele CA803361.